The following is an entry in ClinVar:

ClinVar aggregate classification (germline): Uncertain significance (1 of 4 stars; one submission).

Conditions:
Periodic fever-infantile enterocolitis-autoinflammatory syndrome. Also called: Autoinflammation with infantile enterocolitis. Identifiers: Orphanet 436166, MedGen C4015067, MONDO:0014472, OMIM 616050.
Familial cold autoinflammatory syndrome 4 (FCAS4). Identifiers: Orphanet 47045, Orphanet 576349, MedGen C4015276, MONDO:0014498, OMIM 616115.

gnomAD v4.1: 3 of 1,613,916 alleles (0.00019%); highest among the groups gnomAD compares: African/African-American, 0.004%; no homozygotes.

Submission:

Labcorp Genetics (formerly Invitae), Labcorp
Classification: Uncertain significance for Periodic fever-infantile enterocolitis-autoinflammatory syndrome; Familial cold autoinflammatory syndrome 4. Last evaluated: 2025-09-10. Review status: criteria provided, single submitter. Criteria: Invitae Variant Classification Sherloc (09022015). Collection method: clinical testing. Allele origin: germline.
Comment: This sequence change replaces aspartic acid, which is acidic and polar, with histidine, which is basic and polar, at codon 125 of the NLRC4 protein (p.Asp125His). The frequency data for this variant in the population databases is considered unreliable, as metrics indicate poor data quality at this position in the gnomAD database. This variant has not been reported in the literature in individuals affected with NLRC4-related conditions. Invitae Evidence Modeling of protein sequence and biophysical properties (such as structural, functional, and spatial information, amino acid conservation, physicochemical variation, residue mobility, and thermodynamic stability) has been performed for this missense variant. However, the output from this modeling did not meet the statistical confidence thresholds required to predict the impact of this variant on NLRC4 protein function. In summary, the available evidence is currently insufficient to determine the role of this variant in disease. Therefore, it has been classified as a Variant of Uncertain Significance.

NM_001199138.2(NLRC4):c.373G>C (p.Asp125His)

Gene: NLRC4 (NLR family CARD domain containing 4; minus strand). Cytogenetic location: 2p22.3.
Variant type: single nucleotide variant.
Coding change: c.373G>C on transcript NM_001199138.2 (MANE Select); coding-DNA position 373, G replaced by C.
Protein change: p.Asp125His; replaces aspartic acid 125 with histidine.
Molecular consequence: missense variant. On other transcripts: intron variant (1).
Genome position (GRCh38, 1-based): chr2:32,251,491, C>G on the plus strand (G>C on the coding strand, the complement: NLRC4 is on the minus strand). VCF-style: chr2-32251491-C-G. GRCh37 (hg19) VCF-style: chr2-32476560-C-G.
Other names: c.373G>C, p.Asp125His (NM_001199139.2, NM_021209.5); c.262+928G>C (NM_001302504.1); short protein forms D125H.
Identifiers: ClinVar variation 4787484 (VCV004787484.1).
Genomic context (GRCh38, chr2:32,251,491, plus strand): 5'-GTTGGTCCTTCCTCCACAGGACAGGTTCTGTGAAGGTGCTTTTCAAGTTAAAAATAATGT[C>G]AATATCTTCACCAAGGGGATAAAAGTTCAGAAAAGATGGGGTATGGTACAAGTCCTTTAA-3'
Protein context (NP_001186067.1, residues 115-135): LNFYPLGEDI[Asp125His]IIFNLKSTFT